The following is an entry in ClinVar:

ClinVar aggregate classification (germline): Conflicting classifications of pathogenicity. Review status: criteria provided, conflicting classifications (1 of 4 stars). 2 submissions from 2 submitters: Likely pathogenic (1); Uncertain significance (1). Last evaluated 2025-04-18.

Conditions:
Mucopolysaccharidosis, MPS-IV-B (MPS4B). Also called: MORQUIO SYNDROME B; Mucopolysaccharidosis type IV B; Mucopolysaccharidosis Type IVB; Mucopolysaccharidosis type 4B; Mucopolysaccharidosis type IVB (Morquio); MPS IVB. Identifiers: Orphanet 309310, Orphanet 582, MedGen C0086652, MONDO:0009660, OMIM 253010.

Submissions (2):

Natera, Inc.
Classification: Likely pathogenic for Mucopolysaccharidosis, MPS-IV-B. Last evaluated: 2025-04-18. Review status: criteria provided, single submitter. Criteria: Natera Variant Classification Schema (03/2026). Collection method: clinical testing. Allele origin: germline.
Comment: The c.206T>C variant in GLB1 is a missense variant predicted to cause substitution of leucine to proline at amino acid 69. This variant is rare in the general population with a frequency below the threshold expected for the associated phenotype(s). This variant has been observed in one or more individuals affected with the associated recessive disease, as either homozygous or compound heterozygous with a second variant (PMID: 21497194). This variant has been identified in one or more affected individuals with a phenotype highly consistent with the associated gene (PMID: 21497194). Computational prediction algorithms indicate this variant is likely to affect gene or protein function. Given the available evidence, this variant is classified as Likely Pathogenic.

Revvity Omics, Revvity
Classification: Uncertain significance. Last evaluated: 2022-03-04. Review status: criteria provided, single submitter. Criteria: ACMG Guidelines, 2015. Collection method: clinical testing. Allele origin: germline.

Literature cited by the submitters: PubMed 21497194 (cited by Natera, Inc.).

NM_000404.4(GLB1):c.206T>C (p.Leu69Pro)

Gene: GLB1 (galactosidase beta 1; minus strand). Cytogenetic location: 3p22.3.
Variant type: single nucleotide variant.
Coding change: c.206T>C on transcript NM_000404.4 (MANE Select); coding-DNA position 206, T replaced by C.
Protein change: p.Leu69Pro; replaces leucine 69 with proline.
Molecular consequence: missense variant.
Genome position (GRCh38, 1-based): chr3:33,072,583, A>G on the plus strand (T>C on the coding strand, the complement: GLB1 is on the minus strand). VCF-style: chr3-33072583-A-G. GRCh37 (hg19) VCF-style: chr3-33114075-A-G.
Other names: c.116T>C, p.Leu39Pro (NM_001079811.3); c.206T>C, p.Leu69Pro (NM_001135602.3, NM_001393580.1); c.350T>C, p.Leu117Pro (NM_001317040.2); c.206T>C (NM_000404.3); short protein forms L117P, L39P, L69P.
Identifiers: ClinVar variation 2432139 (VCV002432139.4), dbSNP rs2471449193, ClinGen allele CA351996444.